The following is an entry in ClinVar:

ClinVar aggregate classification (germline): Uncertain significance (1 of 4 stars; one submission).

Allele frequency attached by ClinVar (database versions not stated): gnomAD exomes below 0.00001.
gnomAD v4.1: 1 of 1,528,648 alleles (0.000065%); highest among the groups gnomAD compares: Middle Eastern, 0.019%; no homozygotes.

Submission:

Women's Health and Genetics/Laboratory Corporation of America, LabCorp
Classification: Uncertain significance. Last evaluated: 2022-08-26. Review status: criteria provided, single submitter. Criteria: LabCorp Variant Classification Summary - May 2015. Collection method: clinical testing. Allele origin: germline.
Comment: Variant summary: CUX2 c.2566G>A (p.Gly856Ser) results in a non-conservative amino acid change in the encoded protein sequence. Four of five in-silico tools predict a benign effect of the variant on protein function. The variant was absent in 129984 control chromosomes (gnomAD). The available data on variant occurrences in the general population are insufficient to allow any conclusion about variant significance. To our knowledge, no occurrence of c.2566G>A in individuals affected with Early Infantile Epileptic Encephalopathy, Autosomal Dominant and no experimental evidence demonstrating its impact on protein function have been reported. No clinical diagnostic laboratories have submitted clinical-significance assessments for this variant to ClinVar after 2014. Based on the evidence outlined above, the variant was classified as uncertain significance.

NM_015267.4(CUX2):c.2566G>A (p.Gly856Ser)

Gene: CUX2 (cut like homeobox 2; plus strand). Cytogenetic location: 12q24.12.
Variant type: single nucleotide variant.
Coding change: c.2566G>A on transcript NM_015267.4 (MANE Select); coding-DNA position 2566, G replaced by A.
Protein change: p.Gly856Ser; replaces glycine 856 with serine.
Molecular consequence: missense variant.
Genome position (GRCh38, 1-based): chr12:111,320,575, G>A. VCF-style: chr12-111320575-G-A. GRCh37 (hg19) VCF-style: chr12-111758379-G-A.
Other names: c.2380G>A, p.Gly794Ser (NM_001370598.1); short protein forms G794S, G856S.
Identifiers: ClinVar variation 1705215 (VCV001705215.1), dbSNP rs2499869915, ClinGen allele CA386713705.